The following is an entry in ClinVar:

NM_000246.4(CIITA):c.196T>G (p.Ser66Ala)

Gene: CIITA (class II major histocompatibility complex transactivator; plus strand). Cytogenetic location: 16p13.13.
Variant type: single nucleotide variant.
Coding change: c.196T>G on transcript NM_000246.4 (MANE Select); coding-DNA position 196, T replaced by G.
Protein change: p.Ser66Ala; replaces serine 66 with alanine.
Molecular consequence: missense variant. On other transcripts: non-coding transcript variant (1).
Genome position (GRCh38, 1-based): chr16:10,895,425, T>G. VCF-style: chr16-10895425-T-G. GRCh37 (hg19) VCF-style: chr16-10989282-T-G.
Other names: c.196T>G, p.Ser66Ala (NM_001286402.1, NM_001286403.2, NM_001379330.1 and 3 more transcripts); c.124T>G, p.Ser42Ala (NM_001379334.1); short protein forms S42A, S66A.
Identifiers: ClinVar variation 1932933 (VCV001932933.5), dbSNP rs2544283818, ClinGen allele CA394725994.

ClinVar aggregate classification (germline): Uncertain significance (1 of 4 stars; one submission).

Conditions:
MHC class II deficiency. Also called: Bare lymphocyte syndrome 2; BLS, TYPE II. Identifiers: Orphanet 572, MedGen C5447452, MONDO:0008855.

Submission:

Labcorp Genetics (formerly Invitae), Labcorp
Classification: Uncertain significance for MHC class II deficiency. Last evaluated: 2022-04-07. Review status: criteria provided, single submitter. Criteria: Invitae Variant Classification Sherloc (09022015). Collection method: clinical testing. Allele origin: germline.
Comment: This sequence change replaces serine, which is neutral and polar, with alanine, which is neutral and non-polar, at codon 66 of the CIITA protein (p.Ser66Ala). This variant is not present in population databases (gnomAD no frequency). This variant has not been reported in the literature in individuals affected with CIITA-related conditions. Algorithms developed to predict the effect of missense changes on protein structure and function (SIFT, PolyPhen-2, Align-GVGD) all suggest that this variant is likely to be tolerated. In summary, the available evidence is currently insufficient to determine the role of this variant in disease. Therefore, it has been classified as a Variant of Uncertain Significance.